The following is an entry in ClinVar:

NM_002900.3(RBP3):c.753G>A (p.Arg251=)

Gene: RBP3 (retinol binding protein 3; plus strand). Cytogenetic location: 10q11.22.
Variant type: single nucleotide variant.
Coding change: c.753G>A on transcript NM_002900.3 (MANE Select); coding-DNA position 753, G replaced by A.
Protein change: p.Arg251=; no amino-acid change (arginine 251 retained).
Molecular consequence: synonymous variant.
Genome position (GRCh38, 1-based): chr10:47,349,237, G>A. VCF-style: chr10-47349237-G-A. GRCh37 (hg19) VCF-style: chr10-48390125-C-T.
Identifiers: ClinVar variation 1151960 (VCV001151960.17), dbSNP rs139449734, ClinGen allele CA5487704.
Genomic context (GRCh38, chr10:47,349,237, plus strand): 5'-CAGCAGCCAGACCAGGGGCGTGGCCGAGGACATCGCGCACATCCTTAAGCAGATGCGCAG[G>A]GCCATCGTGGTGGGCGAGCGGACTGGGGGAGGGGCCCTGGACCTCCGGAAGCTGAGGATA-3'
Protein context (NP_002891.1, residues 241-261): DIAHILKQMR[Arg251=]AIVVGERTGG

ClinVar aggregate classification (germline): Likely benign. Review status: criteria provided, multiple submitters, no conflicts (2 of 4 stars). 3 submissions from 3 submitters: Likely benign (3). Last evaluated 2025-10-29.

Allele frequency attached by ClinVar (database versions not stated): ExAC 0.00006; gnomAD exomes 0.00008; gnomAD 0.00011 and 0.00013; ESP Exome Variant Server 0.00038.

Submissions (3):

Labcorp Genetics (formerly Invitae), Labcorp
Classification: Likely benign. Last evaluated: 2025-10-29. Review status: criteria provided, single submitter. Criteria: Invitae Variant Classification Sherloc (09022015). Collection method: clinical testing. Allele origin: germline.

CeGaT Center for Human Genetics Tuebingen
Classification: Likely benign. Last evaluated: 2025-03-01. Review status: criteria provided, single submitter. Criteria: CeGaT Center For Human Genetics Tuebingen Variant Classification Criteria Version 2. Collection method: clinical testing. Allele origin: germline. Affected: yes. Observed: 1 variant allele.
Comment: RBP3: BP4, BP7

Blueprint Genetics
Classification: Likely benign. Last evaluated: 2024-11-26. Review status: criteria provided, single submitter. Criteria: ACMG Guidelines, 2015. Collection method: clinical testing. Allele origin: germline.